The following is an entry in ClinVar:

ClinVar aggregate classification (germline): Likely pathogenic (1 of 4 stars; one submission).

Conditions:
Autosomal dominant nonsyndromic hearing loss 22. Also called: DFNA 22; Autosomal dominant nonsyndromic deafness 22. Identifiers: Orphanet 228012, MedGen C2931767, MONDO:0011660, OMIM 606346.

Submission:

Institute of Human Genetics, University of Leipzig Medical Center
Classification: Likely pathogenic for Autosomal dominant nonsyndromic hearing loss 22. Last evaluated: 2022-09-21. Review status: criteria provided, single submitter. Criteria: ACMG Guidelines, 2015. Collection method: clinical testing. Allele origin: paternal. Affected: yes.
Comment: _x000D_ Criteria applied: PVS1, PM2_SUP

NM_004999.4(MYO6):c.2639_2649delinsGAAATTAAGGTATGTAATTAAGGTATGT (p.Thr880_Ala883delinsArgAsnTer)

Gene: MYO6 (myosin VI; plus strand). Cytogenetic location: 6q14.1.
Variant type: Indel.
Coding change: c.2639_2649delinsGAAATTAAGGTATGTAATTAAGGTATGT on transcript NM_004999.4 (MANE Select); coding-DNA positions 2639 to 2649, CTTTGATGGCC replaced by GAAATTAAGGTATGTAATTAAGGTATGT.
Protein change: p.Thr880_Ala883delinsArgAsnTer.
Molecular consequence: nonsense. On other transcripts: non-coding transcript variant (1).
Genome position (GRCh38, 1-based): chr6:75,886,975-75,886,985, CTTTGATGGCC replaced by GAAATTAAGGTATGTAATTAAGGTATGT. GRCh37 (hg19): chr6:76,596,692-76,596,702.
Other names: c.2639_2649delinsGAAATTAAGGTATGTAATTAAGGTATGT, p.Thr880_Ala883delinsArgAsnTer (NM_001300899.2, NM_001368136.1, NM_001368137.1 and 2 more transcripts); c.2624_2634delinsGAAATTAAGGTATGTAATTAAGGTATGT, p.Thr875_Ala878delinsArgAsnTer (NM_001368138.1).
Identifiers: ClinVar variation 1707543 (VCV001707543.1), dbSNP rs2535553134, ClinGen allele CA2580075840.
Genomic context (GRCh38, chr6:75,886,975, plus strand): 5'-TGAAAGATGGAAAACCCGAGATGAATAAACAGATCAAGAATCTGGAAATTTCTATTGATA[CTTTGATGGCC>GAAATTAAGGTATGTAATTAAGGTATGT]AAAATTAAGGTATGTAATTTCAACCCGAATGACTTTGACTTTTTATGTAATTTAATATAT-3'